The following is an entry in ClinVar:

ClinVar aggregate classification (germline): Uncertain significance (1 of 4 stars; one submission).

Conditions:
Dyskeratosis congenita. Identifiers: Orphanet 1775, MedGen C0265965, MONDO:0015780.

Allele frequency attached by ClinVar (database versions not stated): gnomAD 0.00001; gnomAD exomes 0.00002.
gnomAD v4.1: 26 of 1,614,048 alleles (0.0016%); highest among the groups gnomAD compares: Non-Finnish European, 0.0021%; no homozygotes.

Submission:

Labcorp Genetics (formerly Invitae), Labcorp
Classification: Uncertain significance for Dyskeratosis congenita. Last evaluated: 2025-08-20. Review status: criteria provided, single submitter. Criteria: Invitae Variant Classification Sherloc (09022015). Collection method: clinical testing. Allele origin: germline.
Comment: This sequence change replaces proline, which is neutral and non-polar, with leucine, which is neutral and non-polar, at codon 438 of the TINF2 protein (p.Pro438Leu). This variant is present in population databases (no rsID available, gnomAD 0.007%). This variant has not been reported in the literature in individuals affected with TINF2-related conditions. ClinVar contains an entry for this variant (Variation ID: 1424609). An algorithm developed to predict the effect of missense changes on protein structure and function outputs the following: PolyPhen-2: "Possibly Damaging". The leucine amino acid residue is found in multiple mammalian species, which suggests that this missense change does not adversely affect protein function. In summary, the available evidence is currently insufficient to determine the role of this variant in disease. Therefore, it has been classified as a Variant of Uncertain Significance.

NM_001099274.3(TINF2):c.1313C>T (p.Pro438Leu)

Gene: TINF2 (TERF1 interacting nuclear factor 2; minus strand). Cytogenetic location: 14q12.
Variant type: single nucleotide variant.
Coding change: c.1313C>T on transcript NM_001099274.3 (MANE Select); coding-DNA position 1313, C replaced by T.
Protein change: p.Pro438Leu; replaces proline 438 with leucine.
Molecular consequence: missense variant. On other transcripts: 3 prime UTR variant (1).
Genome position (GRCh38, 1-based): chr14:24,239,840, G>A on the plus strand (C>T on the coding strand, the complement: TINF2 is on the minus strand). VCF-style: chr14-24239840-G-A. GRCh37 (hg19) VCF-style: chr14-24709046-G-A.
Other names: c.1208C>T, p.Pro403Leu (NM_001363668.2); c.*575C>T (NM_012461.3); short protein forms P438L, P403L.
Identifiers: ClinVar variation 1424609 (VCV001424609.6), dbSNP rs1184256281, ClinGen allele CA389219615.
Genomic context (GRCh38, chr14:24,239,840, plus strand): 5'-AGAGCATTTTAGTTCTATCACAAAGGTCTAGAACTGTCTCTACAGTCACAGGAAGAAACA[G>A]GTATGGCACCGTGGCCAGAAGGGGGTAGGTATTCACAGAGAGTGGGTATCAAGGTGTCAA-3'
Protein context (NP_001092744.1, residues 428-448): YLPPSGHGAI[Pro438Leu]VSSCDCRDSS